The following is an entry in ClinVar:

NM_003482.4(KMT2D):c.2131C>A (p.Pro711Thr)

Gene: KMT2D (lysine methyltransferase 2D; minus strand). Cytogenetic location: 12q13.12.
Variant type: single nucleotide variant.
Coding change: c.2131C>A on transcript NM_003482.4 (MANE Select); coding-DNA position 2131, C replaced by A.
Protein change: p.Pro711Thr; replaces proline 711 with threonine.
Molecular consequence: missense variant.
Genome position (GRCh38, 1-based): chr12:49,051,552, G>T on the plus strand (C>A on the coding strand, the complement: KMT2D is on the minus strand). VCF-style: chr12-49051552-G-T. GRCh37 (hg19) VCF-style: chr12-49445335-G-T.
Other names: short protein forms P711T.
Identifiers: ClinVar variation 2835900 (VCV002835900.3), dbSNP rs868256312, ClinGen allele CA236619674.

ClinVar aggregate classification (germline): Uncertain significance (1 of 4 stars; one submission).

Conditions:
Kabuki syndrome. Also called: NIIKAWA-KUROKI SYNDROME; Kabuki make-up syndrome. Identifiers: Orphanet 2322, MedGen C0796004, MONDO:0016512.

Submission:

Labcorp Genetics (formerly Invitae), Labcorp
Classification: Uncertain significance for Kabuki syndrome. Last evaluated: 2023-02-17. Review status: criteria provided, single submitter. Criteria: Invitae Variant Classification Sherloc (09022015). Collection method: clinical testing. Allele origin: germline.
Comment: This sequence change replaces proline, which is neutral and non-polar, with threonine, which is neutral and polar, at codon 711 of the KMT2D protein (p.Pro711Thr). This variant is not present in population databases (gnomAD no frequency). This variant has not been reported in the literature in individuals affected with KMT2D-related conditions. Advanced modeling of protein sequence and biophysical properties (such as structural, functional, and spatial information, amino acid conservation, physicochemical variation, residue mobility, and thermodynamic stability) performed at Invitae indicates that this missense variant is not expected to disrupt KMT2D protein function. In summary, the available evidence is currently insufficient to determine the role of this variant in disease. Therefore, it has been classified as a Variant of Uncertain Significance.